The following is an entry in ClinVar:

NM_000053.4(ATP7B):c.2145del (p.Phe714_Tyr715insTer)

Gene: ATP7B (ATPase copper transporting beta; minus strand). Cytogenetic location: 13q14.3.
Variant type: Deletion.
Coding change: c.2145del on transcript NM_000053.4 (MANE Select); coding-DNA position 2145, one base deleted (C; older notation c.2145delC).
Protein change: p.Phe714_Tyr715insTer.
Molecular consequence: nonsense. On other transcripts: intron variant (2).
Genome position (GRCh38, 1-based): chr13:51,958,521, G deleted on the plus strand (C on the coding strand, the reverse complement: ATP7B is on the minus strand). VCF-style (leftmost placement, unchanged base first): chr13-51958520-CG-C. GRCh37 (hg19) VCF-style: chr13-52532656-CG-C.
Other names: c.1812del, p.Phe603_Tyr604insTer (NM_001243182.2); c.1893del, p.Phe630_Tyr631insTer (NM_001330579.2); c.1870-914del (NM_001005918.3); c.2122-914del (NM_001330578.2).
Identifiers: ClinVar variation 659871 (VCV000659871.8), dbSNP rs1593726648, ClinGen allele CA915948656.

ClinVar aggregate classification (germline): Pathogenic (1 of 4 stars; one submission).

Conditions:
Wilson disease (WND). Also called: Wilson's disease. Identifiers: Orphanet 905, MedGen C0019202, MONDO:0010200, OMIM 277900. Disease mechanism: loss of function.

Submission:

Labcorp Genetics (formerly Invitae), Labcorp
Classification: Pathogenic for Wilson disease. Last evaluated: 2025-12-23. Review status: criteria provided, single submitter. Criteria: Invitae Variant Classification Sherloc (09022015). Collection method: clinical testing. Allele origin: germline.
Comment: This sequence change creates a premature translational stop signal (p.Tyr715*) in the ATP7B gene. It is expected to result in an absent or disrupted protein product. Loss-of-function variants in ATP7B are known to be pathogenic (PMID: 10441329, 16283883). This variant is not present in population databases (gnomAD no frequency). This premature translational stop signal has been observed in individual(s) with Wilson disease (PMID: 24475083). ClinVar contains an entry for this variant (Variation ID: 659871). For these reasons, this variant has been classified as Pathogenic.

Literature cited by the submitters: PubMed 10441329; PubMed 16283883; PubMed 24475083.